The following is an entry in ClinVar:

ClinVar aggregate classification (germline): Uncertain significance (1 of 4 stars; one submission).

Submission:

Mayo Clinic Laboratories, Mayo Clinic
Classification: Uncertain significance. Last evaluated: 2024-12-17. Review status: criteria provided, single submitter. Criteria: ACMG Guidelines, 2015. Collection method: clinical testing. Allele origin: germline. Observed: 1 variant allele.
Comment: BP4

NM_001498.4(GCLC):c.-29AGG[5]

Genes: GCLC (glutamate-cysteine ligase catalytic subunit; minus strand), LOC129996649 (ATAC-STARR-seq lymphoblastoid silent region 17291; plus strand). Cytogenetic location: 6p12.1.
Variant type: Microsatellite.
Coding change: c.-29AGG[5] on transcript NM_001498.4 (MANE Select); five copies in a row of the 3-base unit AGG starting at c.-29; the reference has seven copies in a row; two copies, 6 bases deleted.
Molecular consequence: 5 prime UTR variant.
Genome position (GRCh38, 1-based): chr6:53,544,654-53,544,659, CCTCCT deleted on the plus strand (AGGAGG on the coding strand, the reverse complement: GCLC is on the minus strand); deleting any 6 consecutive bases within chr6:53,544,654-53,544,676 gives the same sequence; the position shown is the placement nearest the transcript's 3' end. VCF-style (leftmost placement, unchanged base first): chr6-53544653-CCCTCCT-C. GRCh37 (hg19) VCF-style: chr6-53409451-CCCTCCT-C.
Other names: p.?; c.-14_-9del (NM_001498.4); c.-29AGG[5] (NM_001197115.2).
Identifiers: ClinVar variation 4541173 (VCV004541173.1).
Genomic context (GRCh38, chr6:53,544,653, plus strand): 5'-TGGCGCTTGGTTTCCTCCCAGCTCAGCGGCGAGCCCTGGGACAGCAGCCCCATGGCCGCC[CCCTCCT>C]CCTCCTCCTCCTCCTCCGGGCTGACGGCGGTCGCCCGCTCCGGGCGCGAGACGGACACTC-3'